The following is an entry in ClinVar:

ClinVar aggregate classification (germline): Benign/Likely benign. Review status: criteria provided, multiple submitters, no conflicts (2 of 4 stars). 10 submissions from 10 submitters: Benign (4); Likely benign (4). 2 of the submissions do not count toward it. Last evaluated 2026-04-01.

Conditions:
Pseudohypoaldosteronism type 2C (PHA2C). Also called: Pseudohypoaldosteronism Type IIC. Identifiers: Orphanet 757, Orphanet 88940, MedGen C1840391, MONDO:0013778, OMIM 614492.
WNK1-related disorder. Also called: WNK1-related condition.
Neuropathy, hereditary sensory and autonomic, type 2A (HSAN2A). Also called: MORVAN DISEASE; NEUROPATHY, CONGENITAL SENSORY; NEUROPATHY, HEREDITARY SENSORY RADICULAR, AUTOSOMAL RECESSIVE; NEUROPATHY, HEREDITARY SENSORY, TYPE IIA; NEUROPATHY, PROGRESSIVE SENSORY, OF CHILDREN; ACROOSTEOLYSIS, GIACCAI TYPE. Identifiers: Orphanet 970, MedGen C2752089, MONDO:0024309, OMIM 201300.

Allele frequency attached by ClinVar (database versions not stated): gnomAD 0.00072 and 0.00092; TOPMed 0.00074; gnomAD exomes 0.00130 and 0.00224; 1000 Genomes Project 30x 0.00203; ExAC 0.00215; 1000 Genomes Project 0.00220; ESP Exome Variant Server 0.00062.
gnomAD v4.1: 2,069 of 1,614,214 alleles (0.13%); highest among the groups gnomAD compares: South Asian, 0.82%; 18 homozygotes.

Submissions (10):

CeGaT Center for Human Genetics Tuebingen
Classification: Likely benign. Last evaluated: 2026-04-01. Review status: criteria provided, single submitter. Criteria: CeGaT Center For Human Genetics Tuebingen Variant Classification Criteria Version 2. Collection method: clinical testing. Allele origin: germline. Affected: yes. Observed: 9 variant alleles.
Comment: WNK1: BP4, BP7, BS2

Labcorp Genetics (formerly Invitae), Labcorp
Classification: Benign for Neuropathy, hereditary sensory and autonomic, type 2A; Pseudohypoaldosteronism type 2C. Last evaluated: 2026-01-19. Review status: criteria provided, single submitter. Criteria: Invitae Variant Classification Sherloc (09022015). Collection method: clinical testing. Allele origin: germline.

PreventionGenetics, part of Exact Sciences
Classification: Likely benign for WNK1-related condition. Last evaluated: 2025-02-18. Review status: criteria provided, single submitter. Criteria: ACMG Guidelines, 2015. Collection method: clinical testing. Allele origin: germline.
Comment: This variant is classified as likely benign based on ACMG/AMP sequence variant interpretation guidelines (Richards et al. 2015 PMID: 25741868, with internal and published modifications).

Blueprint Genetics
Classification: Likely benign. Last evaluated: 2024-11-27. Review status: criteria provided, single submitter. Criteria: ACMG Guidelines, 2015. Collection method: clinical testing. Allele origin: germline.

Mayo Clinic Laboratories, Mayo Clinic
Classification: Benign. Last evaluated: 2024-10-09. Review status: criteria provided, single submitter. Criteria: ACMG Guidelines, 2015. Collection method: clinical testing. Allele origin: germline. Observed: 6 variant alleles.
Comment: BS1, BS2

ARUP Laboratories, Molecular Genetics and Genomics, ARUP Laboratories
Classification: Benign. Last evaluated: 2023-11-07. Review status: criteria provided, single submitter. Criteria: ARUP Molecular Germline Variant Investigation Process 2024. Collection method: clinical testing. Allele origin: germline.

GeneDx
Classification: Likely benign. Last evaluated: 2021-05-24. Review status: criteria provided, single submitter. Criteria: GeneDx Variant Classification Process June 2021. Collection method: clinical testing. Allele origin: germline. Affected: yes.

Illumina Laboratory Services, Illumina
Classification: Benign for Pseudohypoaldosteronism type 2C. Last evaluated: 2018-01-12. Review status: criteria provided, single submitter. Criteria: ICSL Variant Classification Criteria 13 December 2019. Collection method: clinical testing. Allele origin: germline.
Comment: This variant was observed in the ICSL laboratory as part of a predisposition screen in an ostensibly healthy population. It had not been previously curated by ICSL or reported in the Human Gene Mutation Database (HGMD: prior to June 1st, 2018), and was therefore a candidate for classification through an automated scoring system. Utilizing variant allele frequency, disease prevalence and penetrance estimates, and inheritance mode, an automated score was calculated to assess if this variant is too frequent to cause the disease. Based on the score and internal cut-off values, a variant classified as benign is not then subjected to further curation. The score for this variant resulted in a classification of benign for this disease.

Clinical Genetics DNA and cytogenetics Diagnostics Lab, Erasmus MC, Erasmus Medical Center
Classification: Likely benign. Review status: no assertion criteria provided. Collection method: clinical testing. Allele origin: germline. Affected: yes. Study: VKGL Data-share Consensus. Not counted in ClinVar's aggregate classification.

Clinical Genetics, Academic Medical Center
Classification: Benign. Review status: no assertion criteria provided. Collection method: clinical testing. Allele origin: germline. Affected: yes. Study: VKGL Data-share Consensus. Not counted in ClinVar's aggregate classification.

NM_018979.4(WNK1):c.4983T>C (p.Ser1661=)

Gene: WNK1 (WNK lysine deficient protein kinase 1; plus strand). Cytogenetic location: 12p13.33.
Variant type: single nucleotide variant.
Coding change: c.4983T>C on transcript NM_018979.4 (MANE Select); coding-DNA position 4983, T replaced by C.
Protein change: p.Ser1661=; no amino-acid change (serine 1661 retained).
Molecular consequence: synonymous variant.
Genome position (GRCh38, 1-based): chr12:885,787, T>C. VCF-style: chr12-885787-T-C. GRCh37 (hg19) VCF-style: chr12-994953-T-C.
Other names: p.Ser1913=; c.5763T>C, p.Ser1921= (NM_001184985.2); c.4242T>C, p.Ser1414= (NM_014823.3); c.5739T>C, p.Ser1913= (NM_213655.5).
Identifiers: ClinVar variation 310832 (VCV000310832.70), dbSNP rs149852592, ClinGen allele CA6383053.
Genomic context (GRCh38, chr12:885,787, plus strand): 5'-TACACAACCCAAAGCTCCTGGAATTGATGACATAAAGACTCTAGAAGAAAAGCTGCGGTC[T>C]CTGTTCAGTGAACACAGCTCATCTGGAGCTCAGCATGCCTCTGTCTCACTGGAGACCTCA-3'
Protein context (NP_061852.3, residues 1651-1671): DIKTLEEKLR[Ser1661=]LFSEHSSSGA